The following is an entry in ClinVar:

NM_024529.5(CDC73):c.513-17A>C

Gene: CDC73 (cell division cycle 73; plus strand). Cytogenetic location: 1q31.2.
Variant type: single nucleotide variant.
Coding change: c.513-17A>C on transcript NM_024529.5 (MANE Select); 17 bases into the intron before coding-DNA position 513, A replaced by C.
Molecular consequence: intron variant.
Genome position (GRCh38, 1-based): chr1:193,141,833, A>C. VCF-style: chr1-193141833-A-C. GRCh37 (hg19) VCF-style: chr1-193110963-A-C.
Identifiers: ClinVar variation 513277 (VCV000513277.10), dbSNP rs202192473, ClinGen allele CA1303417.

ClinVar aggregate classification (germline): Benign/Likely benign. Review status: criteria provided, multiple submitters, no conflicts (2 of 4 stars). 3 submissions from 3 submitters: Benign (1); Likely benign (2). Last evaluated 2026-02-02.

Conditions:
Parathyroid carcinoma (PRTC). Also called: CDC73-Related Parathyroid Carcinoma; Parathyroid gland carcinoma. Identifiers: Orphanet 143, MedGen C0687150, MONDO:0012004, OMIM 608266, HP:0006780.

Allele frequency attached by ClinVar (database versions not stated): gnomAD exomes 0.00012 and 0.00024; ESP Exome Variant Server 0.00015; ExAC 0.00034; gnomAD 0.00044 and 0.00046; TOPMed 0.00059; 1000 Genomes Project 30x 0.00078; 1000 Genomes Project 0.00080.
gnomAD v4.1: 248 of 1,578,806 alleles (0.016%); highest among the groups gnomAD compares: African/African-American, 0.12%; no homozygotes.

Submissions (3):

Labcorp Genetics (formerly Invitae), Labcorp
Classification: Benign for Parathyroid carcinoma. Last evaluated: 2026-02-02. Review status: criteria provided, single submitter. Criteria: Invitae Variant Classification Sherloc (09022015). Collection method: clinical testing. Allele origin: germline.

Blueprint Genetics
Classification: Likely benign. Last evaluated: 2024-08-01. Review status: criteria provided, single submitter. Criteria: ACMG Guidelines, 2015. Collection method: clinical testing. Allele origin: germline.

GeneDx
Classification: Likely benign. Last evaluated: 2017-11-07. Review status: criteria provided, single submitter. Criteria: GeneDx Variant Classification (06012015). Collection method: clinical testing. Allele origin: germline. Affected: yes.
Comment: This variant is considered likely benign or benign based on one or more of the following criteria: it is a conservative change, it occurs at a poorly conserved position in the protein, it is predicted to be benign by multiple in silico algorithms, and/or has population frequency not consistent with disease.